The following is an entry in ClinVar:

ClinVar aggregate classification (germline): Uncertain significance. Review status: criteria provided, multiple submitters, no conflicts (2 of 4 stars). 2 submissions from 2 submitters: Uncertain significance (2). Last evaluated 2023-07-06.

Allele frequency attached by ClinVar (database versions not stated): TOPMed below 0.00001; gnomAD exomes 0.00001.
gnomAD v4.1: 10 of 1,613,938 alleles (0.00062%); highest among the groups gnomAD compares: South Asian, 0.0011%; no homozygotes.

Submissions (2):

Blueprint Genetics
Classification: Uncertain significance. Last evaluated: 2023-07-06. Review status: criteria provided, single submitter. Criteria: ACMG Guidelines, 2015. Collection method: clinical testing. Allele origin: germline.

Labcorp Genetics (formerly Invitae), Labcorp
Classification: Uncertain significance. Last evaluated: 2022-08-22. Review status: criteria provided, single submitter. Criteria: Invitae Variant Classification Sherloc (09022015). Collection method: clinical testing. Allele origin: germline.
Comment: This sequence change replaces alanine, which is neutral and non-polar, with valine, which is neutral and non-polar, at codon 191 of the MAK protein (p.Ala191Val). This variant is not present in population databases (gnomAD no frequency). This missense change has been observed in individual(s) with retinitis pigmentosa (Invitae). Advanced modeling of protein sequence and biophysical properties (such as structural, functional, and spatial information, amino acid conservation, physicochemical variation, residue mobility, and thermodynamic stability) performed at Invitae indicates that this missense variant is not expected to disrupt MAK protein function. In summary, the available evidence is currently insufficient to determine the role of this variant in disease. Therefore, it has been classified as a Variant of Uncertain Significance.

NM_001242957.3(MAK):c.572C>T (p.Ala191Val)

Gene: MAK (male germ cell associated kinase; minus strand). Cytogenetic location: 6p24.2.
Variant type: single nucleotide variant.
Coding change: c.572C>T on transcript NM_001242957.3 (MANE Select); coding-DNA position 572, C replaced by T.
Protein change: p.Ala191Val; replaces alanine 191 with valine.
Molecular consequence: missense variant. On other transcripts: non-coding transcript variant (2).
Genome position (GRCh38, 1-based): chr6:10,803,811, G>A on the plus strand (C>T on the coding strand, the complement: MAK is on the minus strand). VCF-style: chr6-10803811-G-A. GRCh37 (hg19) VCF-style: chr6-10804044-G-A.
Other names: c.572C>T, p.Ala191Val (NM_001242385.2, NM_005906.6); c.470C>T, p.Ala157Val (NM_001377262.1); short protein forms A157V, A191V.
Identifiers: ClinVar variation 1925719 (VCV001925719.3), dbSNP rs1776198387, ClinGen allele CA362720553.